The following is an entry in ClinVar:

ClinVar aggregate classification (germline): Benign. Review status: reviewed by expert panel (3 of 4 stars). 15 submissions from 15 submitters: Benign (1). 14 of the submissions do not count toward it. Last evaluated 2024-06-11.

Conditions:
BRCA2-related cancer predisposition. Identifiers: MedGen CN377758, MONDO:0700269.
BRCA2-related disorder. Also called: BRCA2-related condition; BRCA2-related disorders. Identifiers: MedGen CN239275.
Hereditary cancer-predisposing syndrome. Also called: Tumor predisposition; Hereditary neoplastic syndrome; Hereditary Cancer Syndrome; Neoplastic Syndromes, Hereditary. Identifiers: Orphanet 140162, MedGen C0027672, MeSH D009386, MONDO:0015356.
Hereditary breast ovarian cancer syndrome. Also called: Hereditary breast and ovarian cancer; Hereditary breast and/or ovarian cancer syndrome; BRCA1- and BRCA2-Associated Hereditary Breast and Ovarian Cancer; Hereditary breast and ovarian cancer syndrome (HBOC); Hereditary breast and ovarian cancer syndrome; Breast and ovarian cancer. Identifiers: Orphanet 145, MedGen C0677776, MeSH D061325, MONDO:0003582. Disease mechanism: loss of function.
Breast-ovarian cancer, familial, susceptibility to, 2 (BROVCA2). Also called: BRCA2 Hereditary Breast and Ovarian Cancer. Identifiers: Orphanet 145, MedGen C2675520, MONDO:0012933, OMIM 612555. Disease mechanism: loss of function.
Malignant tumor of breast. Also called: Cancer breast; Malignant breast neoplasm. Identifiers: MedGen C0006142, MONDO:0007254. Disease mechanism: loss of function.

Allele frequency attached by ClinVar (database versions not stated): ExAC 0.00001; gnomAD 0.00002; gnomAD exomes 0.00002; TOPMed 0.00002.
gnomAD v4.1: 34 of 1,613,428 alleles (0.0021%); highest among the groups gnomAD compares: Non-Finnish European, 0.0027%; no homozygotes.

Submissions (15):

ClinGen ENIGMA BRCA1 and BRCA2 Variant Curation Expert Panel, ClinGen
Classification: Benign for BRCA2-related cancer predisposition. Last evaluated: 2024-06-11. Review status: reviewed by expert panel. Criteria: CSpec BRCA1/2ACMG Rules Specifications V1.0. Collection method: curation. Allele origin: germline. Inheritance: Autosomal dominant inheritance.
Comment: The c.9234C>T variant in BRCA2 is a synonymous variant (p.Val3078=). This variant is present in gnomAD v2.1 (exomes only, non-cancer subset) or gnomAD v3.1 (non-cancer subset) but is below the ENIGMA BRCA1/2 VCEP threshold >0.00002 for BS1_Supporting (PM2_Supporting, BS1, and BA1 are not met). This BRCA2 synonymous (silent) variant is within a key functional domain, and SpliceAI predictor score of 0.00 suggests that the variant has no impact on splicing (score threshold <0.10) (BP4 met). This is a synonymous (silent) variant, and mRNA experimental analysis indicates small or no impact on splicing (PMIDs: 31143303, 20215541 and pers comm E Velasco, Ambry internal contributor), considered strong evidence against pathogenicity (BP7_Strong (RNA)). Multifactorial likelihood ratio analysis using clinically calibrated data produced a combined LR for this variant of 0.055 (based on Family History LR=0.055), within the thresholds for Moderate benign evidence (LR >=0.05 & <0.23) (BP5_Moderate met; PMID: 31853058). In summary, this variant meets the criteria to be classified as a Benign variant for BRCA2-related cancer predisposition based on the ACMG/AMP criteria applied as specified by the ENIGMA BRCA1/2 VCEP (BP4, BP7_Strong (RNA), BP5_Moderate).

Labcorp Genetics (formerly Invitae), Labcorp
Classification: Likely benign for Hereditary breast ovarian cancer syndrome. Last evaluated: 2026-01-07. Review status: criteria provided, single submitter. Criteria: Invitae Variant Classification Sherloc (09022015). Collection method: clinical testing. Allele origin: germline. Not counted in ClinVar's aggregate classification.

PreventionGenetics, part of Exact Sciences
Classification: Likely benign for BRCA2-related condition. Last evaluated: 2026-01-02. Review status: criteria provided, single submitter. Criteria: ACMG Guidelines, 2015. Collection method: clinical testing. Allele origin: germline. Not counted in ClinVar's aggregate classification.
Comment: This variant is classified as likely benign based on ACMG/AMP sequence variant interpretation guidelines (Richards et al. 2015 PMID: 25741868, with internal and published modifications).

Center for Genomic Medicine, Rigshospitalet, Copenhagen University Hospital
Classification: Benign. Last evaluated: 2025-12-29. Review status: criteria provided, single submitter. Criteria: ACMG Guidelines, 2015. Collection method: clinical testing. Allele origin: germline. Not counted in ClinVar's aggregate classification.
Comment: Classification criteria: BP4, BP7_Strong, BP5_Moderate

CeGaT Center for Human Genetics Tuebingen
Classification: Likely benign. Last evaluated: 2024-11-01. Review status: criteria provided, single submitter. Criteria: CeGaT Center For Human Genetics Tuebingen Variant Classification Criteria Version 2. Collection method: clinical testing. Allele origin: germline. Affected: yes. Observed: 2 variant alleles. Not counted in ClinVar's aggregate classification.
Comment: BRCA2: BP4, BP7

All of Us Research Program, National Institutes of Health
Classification: Likely benign for Breast-ovarian cancer, familial, susceptibility to, 2. Last evaluated: 2023-09-18. Review status: criteria provided, single submitter. Criteria: ACMG Guidelines, 2015. Collection method: clinical testing. Allele origin: germline. Inheritance: Autosomal dominant inheritance. Observed: 5 variant alleles, 5 heterozygotes. Not counted in ClinVar's aggregate classification.
Comment: This study involves interpretation of variants in research participants for the purpose of population health screening. Participant phenotype was not available at the time of variant classification. Additional details can be found in publication PMID: 35346344, PMCID: PMC8962531

Color Diagnostics, LLC DBA Color Health
Classification: Likely benign for Hereditary cancer-predisposing syndrome. Last evaluated: 2021-10-21. Review status: criteria provided, single submitter. Criteria: ACMG Guidelines, 2015. Collection method: clinical testing. Allele origin: germline. Not counted in ClinVar's aggregate classification.

Quest Diagnostics Nichols Institute San Juan Capistrano
Classification: Likely benign. Last evaluated: 2021-08-26. Review status: criteria provided, single submitter. Criteria: Quest Diagnostics criteria. Collection method: clinical testing. Allele origin: unknown. Not counted in ClinVar's aggregate classification.

Women's Health and Genetics/Laboratory Corporation of America, LabCorp
Classification: Likely benign. Last evaluated: 2020-11-21. Review status: criteria provided, single submitter. Criteria: LabCorp Variant Classification Summary - May 2015. Collection method: clinical testing. Allele origin: germline. Not counted in ClinVar's aggregate classification.

Ambry Genetics
Classification: Likely benign for Hereditary cancer-predisposing syndrome. Last evaluated: 2020-04-07. Review status: criteria provided, single submitter. Criteria: Ambry Variant Classification Scheme 2023. Collection method: clinical testing. Allele origin: germline. Not counted in ClinVar's aggregate classification.

GeneDx
Classification: Benign. Last evaluated: 2015-09-14. Review status: criteria provided, single submitter. Criteria: GeneDx Variant Classification (06012015). Collection method: clinical testing. Allele origin: germline. Affected: yes. Not counted in ClinVar's aggregate classification.
Comment: This variant is considered likely benign or benign based on one or more of the following criteria: it is a conservative change, it occurs at a poorly conserved position in the protein, it is predicted to be benign by multiple in silico algorithms, and/or has population frequency not consistent with disease.

Counsyl
Classification: Uncertain significance for Breast-ovarian cancer, familial, susceptibility to, 2. Last evaluated: 2017-05-26. Review status: no assertion criteria provided. Collection method: clinical testing. Allele origin: unknown. Not counted in ClinVar's aggregate classification.

Department of Pathology and Laboratory Medicine, Sinai Health System
Classification: Likely benign for Malignant tumor of breast. Review status: no assertion criteria provided. Collection method: clinical testing. Allele origin: unknown. Affected: yes. Study: The Canadian Open Genetics Repository (COGR). Not counted in ClinVar's aggregate classification.
Comment: The BRCA2 p.Val3078= variant was identified in 2 of 2180 proband chromosomes (frequency: 0.0009) from individuals or families with breast or ovarian cancer (Sanz 2010, Schenkel 2016). The variant was also identified in dbSNP (ID: rs587782428) as â€šÃ„ÃºWith Uncertain significance alleleâ€šÃ„Ã¹, ClinVar (8x as benign, likely benign and uncertain significance by ENIGMA, Color, Integrated Genetics, GeneDx, Counsyl, Quest, Ambry Genetic, Invitae) and LOVD 3.0 (2x as VUS and likely benign). The variant was not identified in UMD-LSDB. The variant was identified in control databases in 3 of 276678 chromosomes at a frequency of 0.00001 (Genome Aggregation Database Feb 27, 2017). The variant was observed in the following populations: Latino in 1 of 34360 chromosomes (freq: 0.00003), European Non-Finnish in 2 of 126488 chromosomes (freq: 0.000016), while the variant was not observed in the African, Other, Ashkenazi Jewish, East Asian, Finnish or South Asian populations. The p.Val3078= variant is not expected to have clinical significance because it does not result in a change of amino acid and is not located in a known consensus splice site. In addition, in silico or computational prediction software programs (SpliceSiteFinder, MaxEntScan, NNSPLICE, GeneSplicer) do not predict a difference in splicing. However, in a study by (Sanz 2010), bioinformatics programs predicted the disruption of an exonic splicing enhancer and the creation of exonic splicing silencers; in addition, mRNA analysis of the variant in this study showed partial exon 24 skipping, with a predicted partial truncation of protein product. In this same study the variant was identified in a patient with a co-occurring BRCA1 c.4165_4166delAG pathogenic variant providing conflicting evidence. In summary, based on the above information the clinical significance of this variant cannot be determined with certainty at this time although we would lean towards a more benign role for this variant. This variant is classified as likely benign.

Genome Diagnostics Laboratory, University Medical Center Utrecht
Classification: Likely benign. Review status: no assertion criteria provided. Collection method: clinical testing. Allele origin: germline. Affected: yes. Study: VKGL Data-share Consensus. Not counted in ClinVar's aggregate classification.

Joint Genome Diagnostic Labs from Nijmegen and Maastricht, Radboudumc and MUMC+
Classification: Likely benign. Review status: no assertion criteria provided. Collection method: clinical testing. Allele origin: germline. Affected: yes. Study: VKGL Data-share Consensus. Not counted in ClinVar's aggregate classification.

Literature cited by the submitters: PubMed 31143303 (cited by Quest Diagnostics Nichols Institute San Juan Capistrano and Ambry Genetics); PubMed 20215541 (cited by 4 submitters); PubMed 27376475 (cited by 3 submitters); PubMed 28758972 (cited by 3 submitters); PubMed 26913838 (cited by 3 submitters); PubMed 23893897 (cited by Women's Health and Genetics/Laboratory Corporation of America, LabCorp and Counsyl); PubMed 30101128 (cited by Ambry Genetics).

NM_000059.4(BRCA2):c.9234C>T (p.Val3078=)

Gene: BRCA2 (BRCA2 DNA repair associated; plus strand). Cytogenetic location: 13q13.1.
Variant type: single nucleotide variant.
Coding change: c.9234C>T on transcript NM_000059.4 (MANE Select); coding-DNA position 9234, C replaced by T.
Protein change: p.Val3078=; no amino-acid change (valine 3078 retained).
Molecular consequence: synonymous variant.
Genome position (GRCh38, 1-based): chr13:32,380,123, C>T. VCF-style: chr13-32380123-C-T. GRCh37 (hg19) VCF-style: chr13-32954260-C-T.
Other names: NM_000059.4(BRCA2):c.9234C>T; p.Val3078=.
Identifiers: ClinVar variation 142391 (VCV000142391.54), dbSNP rs587782428, ClinGen allele CA026042.
Genomic context (GRCh38, chr13:32,380,123, plus strand): 5'-CAAATTTTTAGATCCAGACTTTCAGCCATCTTGTTCTGAGGTGGACCTAATAGGATTTGT[C>T]GTTTCTGTTGTGAAAAAAACAGGTAATGCACAATATAGTTAATTTTTTTTATTGATTCTT-3'
Protein context (NP_000050.3, residues 3068-3088): SCSEVDLIGF[Val3078=]VSVVKKTGLA